The following is an entry in ClinVar:

ClinVar aggregate classification (germline): Likely benign. Review status: criteria provided, single submitter (1 of 4 stars). 2 submissions from 2 submitters: Likely benign (1). 1 of the submissions does not count toward it. Last evaluated 2024-05-16.

Conditions:
YARS1-related disorder. Also called: YARS1-related condition.

Allele frequency attached by ClinVar (database versions not stated): gnomAD exomes below 0.00001.
gnomAD v4.1: 6 of 1,614,196 alleles (0.00037%); highest among the groups gnomAD compares: Non-Finnish European, 0.00051%; no homozygotes.

Submissions (2):

Women's Health and Genetics/Laboratory Corporation of America, LabCorp
Classification: Likely benign. Last evaluated: 2024-05-16. Review status: criteria provided, single submitter. Criteria: LabCorp Variant Classification Summary - May 2015. Collection method: clinical testing. Allele origin: germline.
Comment: Variant summary: YARS1 c.258A>G alters a non-conserved nucleotide resulting in a synonymous change. Consensus agreement among computation tools predict no significant impact on normal splicing. However, these predictions have yet to be confirmed by functional studies. The variant allele was found at a frequency of 3.7e-06 in 1607226 control chromosomes (gnomAD v4.1). The available data on variant occurrences in the general population are insufficient to allow any conclusion about variant significance. To our knowledge, no occurrence of c.258A>G in individuals affected with YARS1-Related Disorders and no experimental evidence demonstrating its impact on protein function have been reported. ClinVar contains an entry for this variant (Variation ID: 3036443). Based on the evidence outlined above, the variant was classified as likely benign.

PreventionGenetics, part of Exact Sciences
Classification: Likely benign for YARS1-related condition. Last evaluated: 2021-10-04. Review status: no assertion criteria provided. Collection method: clinical testing. Allele origin: germline. Not counted in ClinVar's aggregate classification.
Comment: This variant is classified as likely benign based on ACMG/AMP sequence variant interpretation guidelines (Richards et al. 2015 PMID: 25741868, with internal and published modifications).

NM_003680.4(YARS1):c.258A>G (p.Pro86=)

Gene: YARS1 (tyrosyl-tRNA synthetase 1; minus strand). Cytogenetic location: 1p35.1.
Variant type: single nucleotide variant.
Coding change: c.258A>G on transcript NM_003680.4 (MANE Select); coding-DNA position 258, A replaced by G.
Protein change: p.Pro86=; no amino-acid change (proline 86 retained).
Molecular consequence: synonymous variant.
Genome position (GRCh38, 1-based): chr1:32,810,713, T>C on the plus strand (A>G on the coding strand, the complement: YARS1 is on the minus strand). VCF-style: chr1-32810713-T-C. GRCh37 (hg19) VCF-style: chr1-33276314-T-C.
Identifiers: ClinVar variation 3036443 (VCV003036443.3), dbSNP rs949689567, ClinGen allele CA20294674.